The following is an entry in ClinVar:

ClinVar aggregate classification (germline): Uncertain significance. Review status: criteria provided, single submitter (1 of 4 stars). 2 submissions from 2 submitters: Uncertain significance (1). 1 of the submissions does not count toward it. Last evaluated 2016-11-23.

Conditions:
Mitochondrial myopathy-lactic acidosis-deafness syndrome. Identifiers: Orphanet 2597, MedGen C1855033, MONDO:0016825, OMIM 251950.

Submissions (2):

GeneDx
Classification: Uncertain significance. Last evaluated: 2016-11-23. Review status: criteria provided, single submitter. Criteria: GeneDx Variant Classification (06012015). Collection method: clinical testing. Allele origin: germline. Affected: yes.
Comment: The S140X variant in the PNPLA8 gene has not been reported previously as a pathogenic variant nor as a benign variant, to our knowledge. This variant is predicted to cause loss of normal protein function either through protein truncation or nonsense-mediated mRNA decay. The S140X variant was not observed in approximately 6,500 individuals of European and African American ancestry in the NHLBI Exome Sequencing Project, indicating it is not a common benign variant in these populations. We interpret S140X as a variant of uncertain significance.

OMIM
Classification: Pathogenic for MITOCHONDRIAL MYOPATHY WITH LACTIC ACIDOSIS. Last evaluated: 2025-04-14. Review status: no assertion criteria provided. Collection method: literature only. Allele origin: germline. Not counted in ClinVar's aggregate classification.

Literature cited by the submitters: PubMed 29681094 (cited by OMIM).

NM_001256007.3(PNPLA8):c.419C>A (p.Ser140Ter)

Gene: PNPLA8 (patatin like domain 8, phospholipase A2; minus strand). Cytogenetic location: 7q31.1.
Variant type: single nucleotide variant.
Coding change: c.419C>A on transcript NM_001256007.3 (MANE Select); coding-DNA position 419, C replaced by A.
Protein change: p.Ser140Ter; replaces serine 140 with a stop codon.
Molecular consequence: nonsense.
Genome position (GRCh38, 1-based): chr7:108,515,073, G>T on the plus strand (C>A on the coding strand, the complement: PNPLA8 is on the minus strand). VCF-style: chr7-108515073-G-T. GRCh37 (hg19) VCF-style: chr7-108155517-G-T.
Other names: c.419C>A, p.Ser140Ter (NM_001256008.3, NM_001256009.3, NM_015723.5); c.119C>A, p.Ser40Ter (NM_001256010.3, NM_001256011.3); short protein forms S140*, S40*.
Identifiers: ClinVar variation 373186 (VCV000373186.3), dbSNP rs768181060, ClinGen allele CA16042573.